The following is an entry in ClinVar:

ClinVar aggregate classification (germline): Uncertain significance (1 of 4 stars; one submission).

Allele frequency attached by ClinVar (database versions not stated): gnomAD exomes below 0.00001; TOPMed below 0.00001; ExAC 0.00001.
gnomAD v4.1: 7 of 1,614,192 alleles (0.00043%); highest among the groups gnomAD compares: East Asian, 0.0022%; no homozygotes.

Submission:

Labcorp Genetics (formerly Invitae), Labcorp
Classification: Uncertain significance. Last evaluated: 2021-10-09. Review status: criteria provided, single submitter. Criteria: Invitae Variant Classification Sherloc (09022015). Collection method: clinical testing. Allele origin: germline.
Comment: In summary, the available evidence is currently insufficient to determine the role of this variant in disease. Therefore, it has been classified as a Variant of Uncertain Significance. Algorithms developed to predict the effect of missense changes on protein structure and function output the following: SIFT: "Tolerated"; PolyPhen-2: "Benign"; Align-GVGD: "Class C0". The threonine amino acid residue is found in multiple mammalian species, which suggests that this missense change does not adversely affect protein function. This variant has not been reported in the literature in individuals affected with LOXL3-related conditions. This variant is present in population databases (rs764189744, ExAC 0.01%). This sequence change replaces alanine with threonine at codon 288 of the LOXL3 protein (p.Ala288Thr). The alanine residue is highly conserved and there is a small physicochemical difference between alanine and threonine.

NM_032603.5(LOXL3):c.862G>A (p.Ala288Thr)

Gene: LOXL3 (lysyl oxidase like 3; minus strand). Cytogenetic location: 2p13.1.
Variant type: single nucleotide variant.
Coding change: c.862G>A on transcript NM_032603.5 (MANE Select); coding-DNA position 862, G replaced by A.
Protein change: p.Ala288Thr; replaces alanine 288 with threonine.
Molecular consequence: missense variant. On other transcripts: intron variant (2).
Genome position (GRCh38, 1-based): chr2:74,536,759, C>T on the plus strand (G>A on the coding strand, the complement: LOXL3 is on the minus strand). VCF-style: chr2-74536759-C-T. GRCh37 (hg19) VCF-style: chr2-74763886-C-T.
Other names: c.478-288G>A (NM_001289164.3); c.-171-288G>A (NM_001289165.2); short protein forms A288T.
Identifiers: ClinVar variation 1345166 (VCV001345166.5), dbSNP rs764189744, ClinGen allele CA1729064.